The following is an entry in ClinVar:

ClinVar aggregate classification (germline): Uncertain significance (1 of 4 stars; one submission).

Submission:

Labcorp Genetics (formerly Invitae), Labcorp
Classification: Uncertain significance. Last evaluated: 2026-01-14. Review status: criteria provided, single submitter. Criteria: Invitae Variant Classification Sherloc (09022015). Collection method: clinical testing. Allele origin: germline.
Comment: This sequence change creates a premature translational stop signal (p.Gly151Alafs*104) in the MAPKAPK3 gene. It is expected to result in an absent or disrupted protein product. However, the current clinical and genetic evidence is not sufficient to establish whether loss-of-function variants in MAPKAPK3 cause disease. This variant is present in population databases (no rsID available, gnomAD 0.003%). This variant has not been reported in the literature in individuals affected with MAPKAPK3-related conditions. In summary, the available evidence is currently insufficient to determine the role of this variant in disease. Therefore, it has been classified as a Variant of Uncertain Significance.

NM_001243925.2(MAPKAPK3):c.452del (p.Gly151fs)

Gene: MAPKAPK3 (MAPK activated protein kinase 3; plus strand). Cytogenetic location: 3p21.2.
Variant type: Deletion.
Coding change: c.452del on transcript NM_001243925.2 (MANE Select); coding-DNA position 452, one base deleted (G; older notation c.452delG).
Protein change: p.Gly151fs; shifts the reading frame from glycine 151.
Molecular consequence: frameshift variant.
Genome position (GRCh38, 1-based): chr3:50,642,280, G deleted; the last of 2 consecutive G bases (chr3:50,642,279-50,642,280); deleting either gives the same sequence. VCF-style (leftmost placement, unchanged base first): chr3-50642278-TG-T. GRCh37 (hg19) VCF-style: chr3-50679709-TG-T.
Other names: c.452del, p.Gly151fs (NM_001243926.2, NM_004635.5); short protein forms G151fs.
Identifiers: ClinVar variation 4771830 (VCV004771830.1).
Genomic context (GRCh38, chr3:50,642,278, plus strand): 5'-GGCATCACTGACCCCCTCCTCCTCTGTTTCTGCAGAAGCTGCAGAGATAATGCGGGATAT[TG>T]GCACTGCCATCCAGTTTCTGCACAGCCATAACATTGCCCACCGAGATGTCAAGGTGAGGC-3'